The following is an entry in ClinVar:

NM_003560.4(PLA2G6):c.2134A>C (p.Ser712Arg)

Gene: PLA2G6 (phospholipase A2 group VI; minus strand). Cytogenetic location: 22q13.1.
Variant type: single nucleotide variant.
Coding change: c.2134A>C on transcript NM_003560.4 (MANE Select); coding-DNA position 2134, A replaced by C.
Protein change: p.Ser712Arg; replaces serine 712 with arginine.
Molecular consequence: missense variant.
Genome position (GRCh38, 1-based): chr22:38,113,555, T>G on the plus strand (A>C on the coding strand, the complement: PLA2G6 is on the minus strand). VCF-style: chr22-38113555-T-G. GRCh37 (hg19) VCF-style: chr22-38509562-T-G.
Other names: c.1972A>C, p.Ser658Arg (NM_001004426.3, NM_001199562.3, NM_001349865.2 and 1 more transcripts); c.2134A>C, p.Ser712Arg (NM_001349864.2); c.1600A>C, p.Ser534Arg (NM_001349867.2); c.1456A>C, p.Ser486Arg (NM_001349868.2); c.1438A>C, p.Ser480Arg (NM_001349869.2); short protein forms S480R, S486R, S534R, S658R, S712R.
Identifiers: ClinVar variation 3359343 (VCV003359343.1).

ClinVar aggregate classification (germline): Uncertain significance (1 of 4 stars; one submission).

gnomAD v4.1: 1 of 1,613,924 alleles (0.000062%); highest among the groups gnomAD compares: Non-Finnish European, 0.000085%; no homozygotes.

Submission:

GeneDx
Classification: Uncertain significance. Last evaluated: 2023-06-02. Review status: criteria provided, single submitter. Criteria: GeneDx Variant Classification Process June 2021. Collection method: clinical testing. Allele origin: germline. Affected: yes.
Comment: Not observed at significant frequency in large population cohorts (gnomAD); In silico analysis supports that this missense variant has a deleterious effect on protein structure/function; Has not been previously published as pathogenic or benign to our knowledge